The following is an entry in ClinVar:

NM_001349338.3(FOXP1):c.1239_1265dup (p.Leu414_Ser422dup)

Gene: FOXP1 (forkhead box P1; minus strand). Cytogenetic location: 3p13.
Variant type: Duplication.
Coding change: c.1239_1265dup on transcript NM_001349338.3 (MANE Select); coding-DNA positions 1239 to 1265, 27 bases duplicated (CCTGACTCCCGTCACCCAAGGCCCCTC).
Protein change: p.Leu414_Ser422dup.
Molecular consequence: inframe insertion. On other transcripts: non-coding transcript variant (2).
Genome position (GRCh38, 1-based): chr3:70,977,911-70,977,937, GAGGGGCCTTGGGTGACGGGAGTCAGG duplicated on the plus strand (CCTGACTCCCGTCACCCAAGGCCCCTC on the coding strand, the reverse complement: FOXP1 is on the minus strand); duplicating any 27 consecutive bases within chr3:70,977,911-70,977,938 gives the same sequence; the c. name uses the placement nearest the transcript's 3' end. VCF-style (leftmost placement, unchanged base first): chr3-70977910-A-AGAGGGGCCTTGGGTGACGGGAGTCAGG. GRCh37 (hg19) VCF-style: chr3-71027061-A-AGAGGGGCCTTGGGTGACGGGAGTCAGG.
Other names: c.1239_1265dup, p.Leu414_Ser422dup (NM_001244816.2, NM_001349340.3, NM_032682.6 and 3 more transcripts); c.936_962dup, p.Leu313_Ser321dup (NM_001349337.2, NM_001349343.3, NM_001349344.3); c.1236_1262dup, p.Leu413_Ser421dup (NM_001349341.3); c.939_965dup, p.Leu314_Ser322dup (NM_001349342.3, NM_001370548.1, NM_001244813.3 and 1 more transcripts); c.1011_1037dup, p.Leu338_Ser346dup (NM_001244812.3); c.1239_1265dupCCTGACTCCCGTCACCCAAGGCCCCTC (NM_032682.5).
Identifiers: ClinVar variation 1312316 (VCV001312316.7), dbSNP rs2107316260, ClinGen allele CA2573052238.

ClinVar aggregate classification (germline): Uncertain significance. Review status: criteria provided, multiple submitters, no conflicts (2 of 4 stars). 3 submissions from 3 submitters: Uncertain significance (3). Last evaluated 2024-09-10.

Conditions:
Inborn genetic diseases. Identifiers: MedGen C0950123, MeSH D030342.

Submissions (3):

GeneDx
Classification: Uncertain significance. Last evaluated: 2024-09-10. Review status: criteria provided, single submitter. Criteria: GeneDx Variant Classification Process June 2021. Collection method: clinical testing. Allele origin: germline. Affected: yes.
Comment: Not observed at significant frequency in large population cohorts (gnomAD); In-frame duplication of 9 amino acids in a non-repeat region; Has not been previously published as pathogenic or benign to our knowledge

Labcorp Genetics (formerly Invitae), Labcorp
Classification: Uncertain significance. Last evaluated: 2024-08-06. Review status: criteria provided, single submitter. Criteria: Invitae Variant Classification Sherloc (09022015). Collection method: clinical testing. Allele origin: germline.
Comment: This variant, c.1239_1265dup, results in the insertion of 9 amino acid(s) of the FOXP1 protein (p.Leu414_Ser422dup), but otherwise preserves the integrity of the reading frame. This variant is not present in population databases (gnomAD no frequency). This variant has not been reported in the literature in individuals affected with FOXP1-related conditions. ClinVar contains an entry for this variant (Variation ID: 1312316). In summary, the available evidence is currently insufficient to determine the role of this variant in disease. Therefore, it has been classified as a Variant of Uncertain Significance.

Ambry Genetics
Classification: Uncertain significance for Inborn genetic diseases. Last evaluated: 2020-03-26. Review status: criteria provided, single submitter. Criteria: Ambry Variant Classification Scheme 2023. Collection method: clinical testing. Allele origin: germline.
Comment: The c.1239_1265dup27 variant (also known as p.L414_S422dup), located in coding exon 10 of the FOXP1 gene, results from an in-frame duplication of 27 nucleotides at nucleotide positions 1239 to 1265. This results in the duplication of 9 extra residues (LTPVTQGPS) between codons 414 and 422. These amino acid positions are well conserved in available vertebrate species. Since supporting evidence is limited at this time, the clinical significance of this alteration remains unclear.